The following is an entry in ClinVar:

ClinVar aggregate classification (germline): Uncertain significance (1 of 4 stars; one submission).

gnomAD v4.1: 1 of 1,589,874 alleles (0.000063%); no homozygotes.

Submission:

Ambry Genetics
Classification: Uncertain significance. Last evaluated: 2023-06-24. Review status: criteria provided, single submitter. Criteria: Ambry Variant Classification Scheme 2023. Collection method: clinical testing. Allele origin: germline.
Comment: The p.T605A variant (also known as c.1813A>G), located in coding exon 17 of the PRKDC gene, results from an A to G substitution at nucleotide position 1813. The threonine at codon 605 is replaced by alanine, an amino acid with similar properties. This amino acid position is conserved. In addition, this alteration is predicted to be tolerated by in silico analysis. Since supporting evidence is limited at this time, the clinical significance of this alteration remains unclear.

NM_006904.7(PRKDC):c.1813A>G (p.Thr605Ala)

Gene: PRKDC (protein kinase, DNA-activated, catalytic subunit; minus strand). Cytogenetic location: 8q11.21.
Variant type: single nucleotide variant.
Coding change: c.1813A>G on transcript NM_006904.7 (MANE Select); coding-DNA position 1813, A replaced by G.
Protein change: p.Thr605Ala; replaces threonine 605 with alanine.
Molecular consequence: missense variant.
Genome position (GRCh38, 1-based): chr8:47,930,751, T>C on the plus strand (A>G on the coding strand, the complement: PRKDC is on the minus strand). VCF-style: chr8-47930751-T-C. GRCh37 (hg19) VCF-style: chr8-48843311-T-C.
Other names: c.1813A>G, p.Thr605Ala (NM_001081640.2); short protein forms T605A.
Identifiers: ClinVar variation 2626323 (VCV002626323.2), dbSNP rs2551878787, ClinGen allele CA371164788.
Genomic context (GRCh38, chr8:47,930,751, plus strand): 5'-TAATGAAAGCCGAAAAATCTTTAGGTTTAGCTGGATGCAAGTTAGCCGCTGGATCTGAAG[T>C]TGGGATCATCCAAACACCAGGCGCCTCATCTCCATTCTTAAAGAGTAATTGTAGCAAAGA-3'
Protein context (NP_008835.5, residues 595-615): DEAPGVWMIP[Thr605Ala]SDPAANLHPA